The following is an entry in ClinVar:

ClinVar aggregate classification (germline): Uncertain significance (1 of 4 stars; one submission).

Submission:

Labcorp Genetics (formerly Invitae), Labcorp
Classification: Uncertain significance. Last evaluated: 2024-10-30. Review status: criteria provided, single submitter. Criteria: Invitae Variant Classification Sherloc (09022015). Collection method: clinical testing. Allele origin: germline.
Comment: This sequence change replaces glycine, which is neutral and non-polar, with glutamic acid, which is acidic and polar, at codon 418 of the COL4A3 protein (p.Gly418Glu). This variant is not present in population databases (gnomAD no frequency). This missense change has been observed in individual(s) with Alport syndrome (PMID: 31328266). ClinVar contains an entry for this variant (Variation ID: 2705463). Invitae Evidence Modeling of protein sequence and biophysical properties (such as structural, functional, and spatial information, amino acid conservation, physicochemical variation, residue mobility, and thermodynamic stability) has been performed for this missense variant. However, the output from this modeling did not meet the statistical confidence thresholds required to predict the impact of this variant on COL4A3 protein function. In summary, the available evidence is currently insufficient to determine the role of this variant in disease. Therefore, it has been classified as a Variant of Uncertain Significance.

Literature cited by the submitters: PubMed 31328266.

NM_000091.5(COL4A3):c.1253G>A (p.Gly418Glu)

Genes: COL4A3 (collagen type IV alpha 3 chain; plus strand), MFF-DT (MFF divergent transcript; minus strand). Cytogenetic location: 2q36.3.
Variant type: single nucleotide variant.
Coding change: c.1253G>A on transcript NM_000091.5 (MANE Select); coding-DNA position 1253, G replaced by A.
Protein change: p.Gly418Glu; replaces glycine 418 with glutamic acid.
Molecular consequence: missense variant.
Genome position (GRCh38, 1-based): chr2:227,263,882, G>A. VCF-style: chr2-227263882-G-A. GRCh37 (hg19) VCF-style: chr2-228128598-G-A.
Other names: short protein forms G418E.
Identifiers: ClinVar variation 2705463 (VCV002705463.3), dbSNP rs2469634514, ClinGen allele CA350869322.
Genomic context (GRCh38, chr2:227,263,882, plus strand): 5'-GCCTGAAAGGAAGTAAAGGGGAACGAGGCCGCCCAGGAAAGGATGCCATGGGGACTCCTG[G>A]GTCCCCAGGTTGTGCTGGTTCACCAGGTCTTCCAGGATCACCGGGACCTCCAGGACCGCC-3'
Protein context (NP_000082.2, residues 408-428): RPGKDAMGTP[Gly418Glu]SPGCAGSPGL